The following is an entry in ClinVar:

NM_001440.4(EXTL3):c.1117G>A (p.Ala373Thr)

Gene: EXTL3 (exostosin like glycosyltransferase 3; plus strand). Cytogenetic location: 8p21.1.
Variant type: single nucleotide variant.
Coding change: c.1117G>A on transcript NM_001440.4 (MANE Select); coding-DNA position 1117, G replaced by A.
Protein change: p.Ala373Thr; replaces alanine 373 with threonine.
Molecular consequence: missense variant.
Genome position (GRCh38, 1-based): chr8:28,717,176, G>A. VCF-style: chr8-28717176-G-A. GRCh37 (hg19) VCF-style: chr8-28574693-G-A.
Other names: c.1117G>A (NM_001440.2); short protein forms A373T.
Identifiers: ClinVar variation 2879783 (VCV002879783.4), dbSNP rs762001581, ClinGen allele CA4696147.
Genomic context (GRCh38, chr8:28,717,176, plus strand): 5'-CTGAGGTCTAGCCTTCAGGAGGCCCGCTCCTTCGAAGAGGAAATGGAGGGCGACCCTCCC[G>A]CCGACTACGATGACCGGATCATTGCCACCCTGAAGGCGGTGCAGGACAGCAAGCTGGATC-3'
Protein context (NP_001431.1, residues 363-383): FEEEMEGDPP[Ala373Thr]DYDDRIIATL

ClinVar aggregate classification (germline): Uncertain significance. Review status: criteria provided, multiple submitters, no conflicts (2 of 4 stars). 2 submissions from 2 submitters: Uncertain significance (2). Last evaluated 2025-04-20.

Conditions:
Inborn genetic diseases. Identifiers: MedGen C0950123, MeSH D030342.

Allele frequency attached by ClinVar (database versions not stated): TOPMed below 0.00001; gnomAD 0.00001; gnomAD exomes 0.00001; ExAC 0.00003.
gnomAD v4.1: 20 of 1,614,092 alleles (0.0012%); highest among the groups gnomAD compares: Non-Finnish European, 0.0017%; no homozygotes.

Submissions (2):

Ambry Genetics
Classification: Uncertain significance for Inborn genetic diseases. Last evaluated: 2025-04-20. Review status: criteria provided, single submitter. Criteria: Ambry Variant Classification Scheme 2023. Collection method: clinical testing. Allele origin: germline.

Labcorp Genetics (formerly Invitae), Labcorp
Classification: Uncertain significance. Last evaluated: 2023-01-19. Review status: criteria provided, single submitter. Criteria: Invitae Variant Classification Sherloc (09022015). Collection method: clinical testing. Allele origin: germline.
Comment: In summary, the available evidence is currently insufficient to determine the role of this variant in disease. Therefore, it has been classified as a Variant of Uncertain Significance. Advanced modeling of protein sequence and biophysical properties (such as structural, functional, and spatial information, amino acid conservation, physicochemical variation, residue mobility, and thermodynamic stability) performed at Invitae indicates that this missense variant is not expected to disrupt EXTL3 protein function. This variant has not been reported in the literature in individuals affected with EXTL3-related conditions. This variant is present in population databases (rs762001581, gnomAD 0.005%). This sequence change replaces alanine, which is neutral and non-polar, with threonine, which is neutral and polar, at codon 373 of the EXTL3 protein (p.Ala373Thr).